The following is an entry in ClinVar:

ClinVar aggregate classification (germline): Benign/Likely benign. Review status: criteria provided, multiple submitters, no conflicts (2 of 4 stars). 4 submissions from 4 submitters: Benign (1); Likely benign (3). Last evaluated 2024-10-20.

Conditions:
Hereditary cancer-predisposing syndrome. Also called: Hereditary neoplastic syndrome; Neoplastic Syndromes, Hereditary; Tumor predisposition; Hereditary Cancer Syndrome. Identifiers: Orphanet 140162, MedGen C0027672, MeSH D009386, MONDO:0015356.
Hereditary diffuse gastric adenocarcinoma (HDGC). Also called: DIFFUSE GASTRIC AND LOBULAR BREAST CANCER SYNDROME. Identifiers: Orphanet 26106, MedGen C1708349, MONDO:0007648, OMIM 137215.

Allele frequency attached by ClinVar (database versions not stated): gnomAD exomes below 0.00001; gnomAD 0.00001.
gnomAD v4.1: 2 of 1,613,746 alleles (0.00012%); highest among the groups gnomAD compares: Non-Finnish European, 0.00017%; no homozygotes.

Submissions (4):

Color Diagnostics, LLC DBA Color Health
Classification: Likely benign for Hereditary cancer-predisposing syndrome. Last evaluated: 2024-10-20. Review status: criteria provided, single submitter. Criteria: ACMG Guidelines, 2015. Collection method: clinical testing. Allele origin: germline.

Myriad Genetics, Inc.
Classification: Benign for Hereditary diffuse gastric adenocarcinoma. Last evaluated: 2024-09-18. Review status: criteria provided, single submitter. Criteria: Myriad Autosomal Dominant, Autosomal Recessive and X-Linked Classification Criteria (2023). Collection method: clinical testing. Allele origin: unknown.
Comment: This variant is considered benign. This variant is a silent/synonymous amino acid change and it is not expected to impact splicing.

Labcorp Genetics (formerly Invitae), Labcorp
Classification: Likely benign for Hereditary diffuse gastric adenocarcinoma. Last evaluated: 2024-06-30. Review status: criteria provided, single submitter. Criteria: Invitae Variant Classification Sherloc (09022015). Collection method: clinical testing. Allele origin: germline.

Ambry Genetics
Classification: Likely benign for Hereditary cancer-predisposing syndrome. Last evaluated: 2016-09-20. Review status: criteria provided, single submitter. Criteria: Ambry Variant Classification Scheme 2023. Collection method: clinical testing. Allele origin: germline.

NM_004360.5(CDH1):c.1246T>C (p.Leu416=)

Gene: CDH1 (cadherin 1; plus strand). Cytogenetic location: 16q22.1.
Variant type: single nucleotide variant.
Coding change: c.1246T>C on transcript NM_004360.5 (MANE Select); coding-DNA position 1246, T replaced by C.
Protein change: p.Leu416=; no amino-acid change (leucine 416 retained).
Molecular consequence: synonymous variant. On other transcripts: 5 prime UTR variant (2), intron variant (1).
Genome position (GRCh38, 1-based): chr16:68,813,421, T>C. VCF-style: chr16-68813421-T-C. GRCh37 (hg19) VCF-style: chr16-68847324-T-C.
Other names: c.1246T>C (LRG_301t1); c.-370T>C (NM_001317185.2); c.-574T>C (NM_001317186.2); c.1137+1158T>C (NM_001317184.2).
Identifiers: ClinVar variation 481698 (VCV000481698.18), dbSNP rs1459059254, ClinGen allele CA496392875.